The following is an entry in ClinVar:

ClinVar aggregate classification (germline): Uncertain significance. Review status: criteria provided, multiple submitters, no conflicts (2 of 4 stars). 2 submissions from 2 submitters: Uncertain significance (2). Last evaluated 2024-11-18.

gnomAD v4.1: 34 of 1,613,238 alleles (0.0021%); highest among the groups gnomAD compares: Admixed American, 0.0033%; no homozygotes.

Submissions (2):

Labcorp Genetics (formerly Invitae), Labcorp
Classification: Uncertain significance. Last evaluated: 2024-11-18. Review status: criteria provided, single submitter. Criteria: Invitae Variant Classification Sherloc (09022015). Collection method: clinical testing. Allele origin: germline.
Comment: This sequence change replaces arginine, which is basic and polar, with histidine, which is basic and polar, at codon 332 of the DDB2 protein (p.Arg332His). This variant is present in population databases (rs760495922, gnomAD 0.003%). This variant has not been reported in the literature in individuals affected with DDB2-related conditions. An algorithm developed to predict the effect of missense changes on protein structure and function (PolyPhen-2) suggests that this variant is likely to be disruptive. In summary, the available evidence is currently insufficient to determine the role of this variant in disease. Therefore, it has been classified as a Variant of Uncertain Significance.

Blueprint Genetics
Classification: Uncertain significance. Last evaluated: 2021-10-28. Review status: criteria provided, single submitter. Criteria: ACMG Guidelines, 2015. Collection method: clinical testing. Allele origin: germline.

NM_000107.3(DDB2):c.995G>A (p.Arg332His)

Gene: DDB2 (damage specific DNA binding protein 2; plus strand). Cytogenetic location: 11p11.2.
Variant type: single nucleotide variant.
Coding change: c.995G>A on transcript NM_000107.3 (MANE Select); coding-DNA position 995, G replaced by A.
Protein change: p.Arg332His; replaces arginine 332 with histidine.
Molecular consequence: missense variant. On other transcripts: non-coding transcript variant (2), intron variant (2).
Genome position (GRCh38, 1-based): chr11:47,235,384, G>A. VCF-style: chr11-47235384-G-A. GRCh37 (hg19) VCF-style: chr11-47256935-G-A.
Other names: c.995G>A, p.Arg332His (NM_001399874.1, NM_001399875.1); c.803G>A, p.Arg268His (NM_001399878.1); c.457-2453G>A (NM_001399876.1, NM_001300734.2); short protein forms R268H, R332H.
Identifiers: ClinVar variation 3608425 (VCV003608425.3).